The following is an entry in ClinVar:

NM_000081.4(LYST):c.8214G>C (p.Glu2738Asp)

Gene: LYST (lysosomal trafficking regulator; minus strand). Cytogenetic location: 1q42.3.
Variant type: single nucleotide variant.
Coding change: c.8214G>C on transcript NM_000081.4 (MANE Select); coding-DNA position 8214, G replaced by C.
Protein change: p.Glu2738Asp; replaces glutamic acid 2738 with aspartic acid.
Molecular consequence: missense variant.
Genome position (GRCh38, 1-based): chr1:235,741,566, C>G on the plus strand (G>C on the coding strand, the complement: LYST is on the minus strand). VCF-style: chr1-235741566-C-G. GRCh37 (hg19) VCF-style: chr1-235904866-C-G.
Other names: p.Glu2738Asp; c.8214G>C (NM_000081.2); c.8214G>C, p.Glu2738Asp (NM_001301365.1); short protein forms E2738D.
Identifiers: ClinVar variation 296376 (VCV000296376.16), dbSNP rs140944484, ClinGen allele CA1465926.

ClinVar aggregate classification (germline): Uncertain significance. Review status: criteria provided, multiple submitters, no conflicts (2 of 4 stars). 8 submissions from 8 submitters: Uncertain significance (8). Last evaluated 2026-09-10.

Conditions:
Chédiak-Higashi syndrome (CHS). Also called: Chediak-Higashi Syndrome. Identifiers: Orphanet 167, MedGen C0007965, MONDO:0008963, OMIM 214500.
LYST-related disorder. Also called: LYST-related condition.

Allele frequency attached by ClinVar (database versions not stated): ExAC 0.00021; gnomAD 0.00022 and 0.00024; gnomAD exomes 0.00026; ESP Exome Variant Server 0.00031.
gnomAD v4.1: 348 of 1,614,118 alleles (0.022%); highest among the groups gnomAD compares: Middle Eastern, 0.17%; no homozygotes.

Submissions (8):

GeneDx
Classification: Uncertain significance. Last evaluated: 2026-09-10. Review status: criteria provided, single submitter. Criteria: GeneDx Variant Classification Process June 2021. Collection method: clinical testing. Allele origin: germline.
Comment: In silico analysis suggests that this missense variant does not alter protein structure/function; Has not been previously published as pathogenic or benign to our knowledge

PreventionGenetics, part of Exact Sciences
Classification: Uncertain significance for LYST-related condition. Last evaluated: 2026-06-10. Review status: criteria provided, single submitter. Criteria: ACMG Guidelines, 2015. Collection method: clinical testing. Allele origin: germline.
Comment: The LYST c.8214G>C variant is predicted to result in the amino acid substitution p.Glu2738Asp. To our knowledge, this variant has not been reported in the literature. This variant is reported in 0.090% of alleles in individuals of Latino descent in gnomAD. Although we suspect that this variant may be benign, at this time, the clinical significance of this variant is uncertain due to the absence of conclusive functional and genetic evidence.

Blueprint Genetics
Classification: Uncertain significance. Last evaluated: 2024-11-26. Review status: criteria provided, single submitter. Criteria: ACMG Guidelines, 2015. Collection method: clinical testing. Allele origin: germline.

Mayo Clinic Laboratories, Mayo Clinic
Classification: Uncertain significance. Last evaluated: 2024-02-14. Review status: criteria provided, single submitter. Criteria: ACMG Guidelines, 2015. Collection method: clinical testing. Allele origin: germline. Observed: 1 variant allele.
Comment: BP4

Labcorp Genetics (formerly Invitae), Labcorp
Classification: Uncertain significance for Chédiak-Higashi syndrome. Last evaluated: 2022-11-02. Review status: criteria provided, single submitter. Criteria: Invitae Variant Classification Sherloc (09022015). Collection method: clinical testing. Allele origin: germline.
Comment: This sequence change replaces glutamic acid, which is acidic and polar, with aspartic acid, which is acidic and polar, at codon 2738 of the LYST protein (p.Glu2738Asp). This variant is present in population databases (rs140944484, gnomAD 0.09%). This variant has not been reported in the literature in individuals affected with LYST-related conditions. ClinVar contains an entry for this variant (Variation ID: 296376). Advanced modeling of protein sequence and biophysical properties (such as structural, functional, and spatial information, amino acid conservation, physicochemical variation, residue mobility, and thermodynamic stability) performed at Invitae indicates that this missense variant is not expected to disrupt LYST protein function. In summary, the available evidence is currently insufficient to determine the role of this variant in disease. Therefore, it has been classified as a Variant of Uncertain Significance.

Fulgent Genetics
Classification: Uncertain significance for Chédiak-Higashi syndrome. Last evaluated: 2021-09-10. Review status: criteria provided, single submitter. Criteria: ACMG Guidelines, 2015. Collection method: clinical testing. Allele origin: unknown.

Revvity Omics, Revvity
Classification: Uncertain significance for Chédiak-Higashi syndrome. Last evaluated: 2019-08-01. Review status: criteria provided, single submitter. Criteria: ACMG Guidelines, 2015. Collection method: clinical testing. Allele origin: germline.

Illumina Laboratory Services, Illumina
Classification: Uncertain significance for Chédiak-Higashi syndrome. Last evaluated: 2018-01-12. Review status: criteria provided, single submitter. Criteria: ICSL Variant Classification Criteria 13 December 2019. Collection method: clinical testing. Allele origin: germline.